The following is an entry in ClinVar:

ClinVar aggregate classification (germline): Uncertain significance. Review status: criteria provided, multiple submitters, no conflicts (2 of 4 stars). 2 submissions from 2 submitters: Uncertain significance (2). Last evaluated 2025-03-11.

Submissions (2):

Ambry Genetics
Classification: Uncertain significance. Last evaluated: 2025-03-11. Review status: criteria provided, single submitter. Criteria: Ambry Variant Classification Scheme 2023. Collection method: clinical testing. Allele origin: germline.

Labcorp Genetics (formerly Invitae), Labcorp
Classification: Uncertain significance. Last evaluated: 2022-02-21. Review status: criteria provided, single submitter. Criteria: Invitae Variant Classification Sherloc (09022015). Collection method: clinical testing. Allele origin: germline.
Comment: This variant is not present in population databases (gnomAD no frequency). In summary, the available evidence is currently insufficient to determine the role of this variant in disease. Therefore, it has been classified as a Variant of Uncertain Significance. Algorithms developed to predict the effect of missense changes on protein structure and function are either unavailable or do not agree on the potential impact of this missense change (SIFT: "Tolerated"; PolyPhen-2: "Probably Damaging"; Align-GVGD: "Class C0"). This variant has not been reported in the literature in individuals affected with CLUAP1-related conditions. This sequence change replaces serine, which is neutral and polar, with threonine, which is neutral and polar, at codon 370 of the CLUAP1 protein (p.Ser370Thr).

NM_015041.3(CLUAP1):c.1109G>C (p.Ser370Thr)

Gene: CLUAP1 (clusterin associated protein 1; plus strand). Cytogenetic location: 16p13.3.
Variant type: single nucleotide variant.
Coding change: c.1109G>C on transcript NM_015041.3 (MANE Select); coding-DNA position 1109, G replaced by C.
Protein change: p.Ser370Thr; replaces serine 370 with threonine.
Molecular consequence: missense variant.
Genome position (GRCh38, 1-based): chr16:3,536,138, G>C. VCF-style: chr16-3536138-G-C. GRCh37 (hg19) VCF-style: chr16-3586138-G-C.
Other names: c.1166G>C, p.Ser389Thr (NM_001330454.2); c.611G>C, p.Ser204Thr (NM_024793.3); c.1109G>C (NM_015041.1); short protein forms S204T, S389T, S370T.
Identifiers: ClinVar variation 2101025 (VCV002101025.5), dbSNP rs2544023927, ClinGen allele CA394516421.